The following is an entry in ClinVar:

ClinVar aggregate classification (germline): Likely benign. Review status: criteria provided, multiple submitters, no conflicts (2 of 4 stars). 2 submissions from 2 submitters: Likely benign (2). Last evaluated 2026-04-10.

Conditions:
SBF2-related disorder. Also called: SBF2-related condition.
Charcot-Marie-Tooth disease type 4. Also called: Charcot-Marie-Tooth, Type 4; Charcot-Marie-Tooth disease, type IV. Identifiers: Orphanet 64749, MedGen C4082197, MONDO:0018995.

Allele frequency attached by ClinVar (database versions not stated): gnomAD 0.00001; gnomAD exomes 0.00001; TOPMed 0.00002; 1000 Genomes Project 30x 0.00031.
gnomAD v4.1: 13 of 1,404,204 alleles (0.00093%); highest among the groups gnomAD compares: Middle Eastern, 0.025%; no homozygotes.

Submissions (2):

PreventionGenetics, part of Exact Sciences
Classification: Likely benign for SBF2-related condition. Last evaluated: 2026-04-10. Review status: criteria provided, single submitter. Criteria: ACMG Guidelines, 2015. Collection method: clinical testing. Allele origin: germline.
Comment: This variant is classified as likely benign based on ACMG/AMP sequence variant interpretation guidelines (Richards et al. 2015 PMID: 25741868, with internal and published modifications).

Labcorp Genetics (formerly Invitae), Labcorp
Classification: Likely benign for Charcot-Marie-Tooth disease type 4. Last evaluated: 2024-02-23. Review status: criteria provided, single submitter. Criteria: Invitae Variant Classification Sherloc (09022015). Collection method: clinical testing. Allele origin: germline.

NM_030962.4(SBF2):c.30G>A (p.Val10=)

Genes: SBF2 (SET binding factor 2; minus strand), LOC130005303 (ATAC-STARR-seq lymphoblastoid silent region 3141; plus strand). Cytogenetic location: 11p15.4.
Variant type: single nucleotide variant.
Coding change: c.30G>A on transcript NM_030962.4 (MANE Select); coding-DNA position 30, G replaced by A.
Protein change: p.Val10=; no amino-acid change (valine 10 retained).
Molecular consequence: synonymous variant.
Genome position (GRCh38, 1-based): chr11:10,294,040, C>T on the plus strand (G>A on the coding strand, the complement: SBF2 is on the minus strand). VCF-style: chr11-10294040-C-T. GRCh37 (hg19) VCF-style: chr11-10315587-C-T.
Other names: c.30G>A, p.Val10= (NM_001386339.1, NM_001386342.1).
Identifiers: ClinVar variation 836108 (VCV000836108.9), dbSNP rs1398535918, ClinGen allele CA473196599.